The following is an entry in ClinVar:

NM_001042472.3(ABHD12):c.835C>T (p.Arg279Cys)

Gene: ABHD12 (abhydrolase domain containing 12, lysophospholipase; minus strand). Cytogenetic location: 20p11.21.
Variant type: single nucleotide variant.
Coding change: c.835C>T on transcript NM_001042472.3 (MANE Select); coding-DNA position 835, C replaced by T.
Protein change: p.Arg279Cys; replaces arginine 279 with cysteine.
Molecular consequence: missense variant.
Genome position (GRCh38, 1-based): chr20:25,307,998, G>A on the plus strand (C>T on the coding strand, the complement: ABHD12 is on the minus strand). VCF-style: chr20-25307998-G-A. GRCh37 (hg19) VCF-style: chr20-25288634-G-A.
Other names: c.835C>T, p.Arg279Cys (NM_015600.5); c.835C>T (NM_001042472.2); short protein forms R279C.
Identifiers: ClinVar variation 809237 (VCV000809237.49), dbSNP rs145964823, ClinGen allele CA9795967.

ClinVar aggregate classification (germline): Uncertain significance. Review status: criteria provided, multiple submitters, no conflicts (2 of 4 stars). 4 submissions from 4 submitters: Uncertain significance (4). Last evaluated 2025-11-25.

Conditions:
Inborn genetic diseases. Identifiers: MedGen C0950123, MeSH D030342.

Allele frequency attached by ClinVar (database versions not stated): gnomAD 0.00003 and 0.00004; TOPMed 0.00004; ExAC 0.00009; ESP Exome Variant Server 0.00015.
gnomAD v4.1: 178 of 1,609,036 alleles (0.011%); highest among the groups gnomAD compares: South Asian, 0.013%; 2 homozygotes.

Submissions (4):

Ambry Genetics
Classification: Uncertain significance for Inborn genetic diseases. Last evaluated: 2025-11-25. Review status: criteria provided, single submitter. Criteria: Ambry Variant Classification Scheme 2023. Collection method: clinical testing. Allele origin: germline.

Labcorp Genetics (formerly Invitae), Labcorp
Classification: Uncertain significance. Last evaluated: 2025-01-13. Review status: criteria provided, single submitter. Criteria: Invitae Variant Classification Sherloc (09022015). Collection method: clinical testing. Allele origin: germline.
Comment: This sequence change replaces arginine, which is basic and polar, with cysteine, which is neutral and slightly polar, at codon 279 of the ABHD12 protein (p.Arg279Cys). This variant is present in population databases (rs145964823, gnomAD 0.01%). This variant has not been reported in the literature in individuals affected with ABHD12-related conditions. ClinVar contains an entry for this variant (Variation ID: 809237). Invitae Evidence Modeling of protein sequence and biophysical properties (such as structural, functional, and spatial information, amino acid conservation, physicochemical variation, residue mobility, and thermodynamic stability) has been performed for this missense variant. However, the output from this modeling did not meet the statistical confidence thresholds required to predict the impact of this variant on ABHD12 protein function. In summary, the available evidence is currently insufficient to determine the role of this variant in disease. Therefore, it has been classified as a Variant of Uncertain Significance.

Blueprint Genetics
Classification: Uncertain significance. Last evaluated: 2024-09-24. Review status: criteria provided, single submitter. Criteria: ACMG Guidelines, 2015. Collection method: clinical testing. Allele origin: germline.

CeGaT Center for Human Genetics Tuebingen
Classification: Uncertain significance. Last evaluated: 2018-03-01. Review status: criteria provided, single submitter. Criteria: CeGaT Center For Human Genetics Tuebingen Variant Classification Criteria Version 2. Collection method: clinical testing. Allele origin: germline. Affected: yes. Observed: 1 variant allele.